The following is an entry in ClinVar:

NM_000264.5(PTCH1):c.3375C>T (p.Pro1125=)

Gene: PTCH1 (patched 1; minus strand). Cytogenetic location: 9q22.32.
Variant type: single nucleotide variant.
Coding change: c.3375C>T on transcript NM_000264.5 (MANE Select); coding-DNA position 3375, C replaced by T.
Protein change: p.Pro1125=; no amino-acid change (proline 1125 retained).
Molecular consequence: synonymous variant. On other transcripts: non-coding transcript variant (1).
Genome position (GRCh38, 1-based): chr9:95,453,552, G>A on the plus strand (C>T on the coding strand, the complement: PTCH1 is on the minus strand). VCF-style: chr9-95453552-G-A. GRCh37 (hg19) VCF-style: chr9-98215834-G-A.
Other names: c.3177C>T, p.Pro1059= (NM_001083602.3); c.3372C>T, p.Pro1124= (NM_001083603.3); c.2922C>T, p.Pro974= (NM_001083604.3, NM_001083605.3, NM_001083606.3 and 1 more transcripts); c.3219C>T, p.Pro1073= (NM_001354918.2); c.3375C>T (NM_000264.4).
Identifiers: ClinVar variation 415467 (VCV000415467.25), dbSNP rs369760318, ClinGen allele CA5138162.

ClinVar aggregate classification (germline): Benign/Likely benign. Review status: criteria provided, multiple submitters, no conflicts (2 of 4 stars). 6 submissions from 6 submitters: Benign (2); Likely benign (3). 1 of the submissions does not count toward it. Last evaluated 2026-02-04.

Conditions:
Hereditary cancer-predisposing syndrome. Also called: Tumor predisposition; Hereditary neoplastic syndrome; Hereditary Cancer Syndrome; Neoplastic Syndromes, Hereditary. Identifiers: Orphanet 140162, MedGen C0027672, MeSH D009386, MONDO:0015356.
Gorlin syndrome. Also called: Nevoid Basal Cell Carcinoma Syndrome; Basal cell nevus syndrome. Identifiers: Orphanet 377, MedGen C0004779, MONDO:0007187.
PTCH1-related disorder. Also called: PTCH1-related disorders; PTCH1-related condition.

Allele frequency attached by ClinVar (database versions not stated): TOPMed 0.00007; ESP Exome Variant Server 0.00015; 1000 Genomes Project 30x 0.00031; gnomAD 0.00003 and 0.00004; ExAC 0.00007.
gnomAD v4.1: 136 of 1,614,082 alleles (0.0084%); highest among the groups gnomAD compares: Admixed American, 0.02%; no homozygotes.

Submissions (6):

Labcorp Genetics (formerly Invitae), Labcorp
Classification: Benign for Gorlin syndrome. Last evaluated: 2026-02-04. Review status: criteria provided, single submitter. Criteria: Invitae Variant Classification Sherloc (09022015). Collection method: clinical testing. Allele origin: germline.

CeGaT Center for Human Genetics Tuebingen
Classification: Likely benign. Last evaluated: 2026-01-01. Review status: criteria provided, single submitter. Criteria: CeGaT Center For Human Genetics Tuebingen Variant Classification Criteria Version 2. Collection method: clinical testing. Allele origin: germline. Affected: yes. Observed: 2 variant alleles.
Comment: PTCH1: BP4, BP7

Center for Genomic Medicine, Rigshospitalet, Copenhagen University Hospital
Classification: Likely benign. Last evaluated: 2025-12-29. Review status: criteria provided, single submitter. Criteria: ACMG Guidelines, 2015. Collection method: clinical testing. Allele origin: germline.

Quest Diagnostics Nichols Institute San Juan Capistrano
Classification: Benign. Last evaluated: 2022-04-12. Review status: criteria provided, single submitter. Criteria: Quest Diagnostics criteria. Collection method: clinical testing. Allele origin: unknown.

Ambry Genetics
Classification: Likely benign for Hereditary cancer-predisposing syndrome. Last evaluated: 2017-03-17. Review status: criteria provided, single submitter. Criteria: Ambry Variant Classification Scheme 2023. Collection method: clinical testing. Allele origin: germline.

PreventionGenetics, part of Exact Sciences
Classification: Likely benign for PTCH1-related condition. Last evaluated: 2022-05-04. Review status: no assertion criteria provided. Collection method: clinical testing. Allele origin: germline. Not counted in ClinVar's aggregate classification.
Comment: This variant is classified as likely benign based on ACMG/AMP sequence variant interpretation guidelines (Richards et al. 2015 PMID: 25741868, with internal and published modifications).